The following is an entry in ClinVar:

ClinVar aggregate classification (germline): Conflicting classifications of pathogenicity. Review status: criteria provided, conflicting classifications (1 of 4 stars). 7 submissions from 7 submitters: Uncertain significance (1); Benign (1); Likely benign (5). Last evaluated 2025-11-10.

Conditions:
Hereditary cancer-predisposing syndrome. Also called: Hereditary neoplastic syndrome; Tumor predisposition; Neoplastic Syndromes, Hereditary; Hereditary Cancer Syndrome. Identifiers: Orphanet 140162, MedGen C0027672, MeSH D009386, MONDO:0015356.
Familial cancer of breast. Also called: Hereditary breast cancer; BREAST CANCER, FAMILIAL; hereditary breast carcinoma. Identifiers: Orphanet 227535, MedGen C0346153, MONDO:0016419, OMIM 114480. Disease mechanism: loss of function.
Fanconi anemia complementation group J. Also called: BRIP1-Related Fanconi Anemia. Identifiers: Orphanet 84, MedGen C1836860, MONDO:0012187, OMIM 609054.

Allele frequency attached by ClinVar (database versions not stated): TOPMed 0.00001.
gnomAD v4.1: 2 of 1,613,264 alleles (0.00012%); highest among the groups gnomAD compares: Non-Finnish European, 0.00017%; no homozygotes.

Submissions (7):

Labcorp Genetics (formerly Invitae), Labcorp
Classification: Likely benign for Familial cancer of breast; Fanconi anemia complementation group J. Last evaluated: 2025-11-10. Review status: criteria provided, single submitter. Criteria: Invitae Variant Classification Sherloc (09022015). Collection method: clinical testing. Allele origin: germline.

Myriad Genetics, Inc.
Classification: Benign for Familial cancer of breast. Last evaluated: 2024-08-21. Review status: criteria provided, single submitter. Criteria: Myriad Autosomal Dominant, Autosomal Recessive and X-Linked Classification Criteria (2023). Collection method: clinical testing. Allele origin: unknown.
Comment: This variant is considered benign. This variant is a silent/synonymous amino acid change and it is not expected to impact splicing.

Mendelics
Classification: Likely benign for Familial cancer of breast. Last evaluated: 2019-05-28. Review status: criteria provided, single submitter. Criteria: Mendelics Assertion Criteria 2017. Collection method: clinical testing. Allele origin: unknown.

Quest Diagnostics Nichols Institute San Juan Capistrano
Classification: Uncertain significance. Last evaluated: 2017-01-06. Review status: criteria provided, single submitter. Criteria: Quest Diagnostics criteria. Collection method: clinical testing. Allele origin: germline.

Color Diagnostics, LLC DBA Color Health
Classification: Likely benign for Hereditary cancer-predisposing syndrome. Last evaluated: 2016-10-09. Review status: criteria provided, single submitter. Criteria: ACMG Guidelines, 2015. Collection method: clinical testing. Allele origin: germline.

Ambry Genetics
Classification: Likely benign for Hereditary cancer-predisposing syndrome. Last evaluated: 2016-04-25. Review status: criteria provided, single submitter. Criteria: Ambry Variant Classification Scheme 2023. Collection method: clinical testing. Allele origin: germline.

GeneDx
Classification: Likely benign. Last evaluated: 2015-12-16. Review status: criteria provided, single submitter. Criteria: GeneDx Variant Classification (06012015). Collection method: clinical testing. Allele origin: germline. Affected: yes.
Comment: This variant is considered likely benign or benign based on one or more of the following criteria: it is a conservative change, it occurs at a poorly conserved position in the protein, it is predicted to be benign by multiple in silico algorithms, and/or has population frequency not consistent with disease.

NM_032043.3(BRIP1):c.408A>C (p.Ala136=)

Gene: BRIP1 (BRCA1 interacting DNA helicase 1; minus strand). Cytogenetic location: 17q23.2.
Variant type: single nucleotide variant.
Coding change: c.408A>C on transcript NM_032043.3 (MANE Select); coding-DNA position 408, A replaced by C.
Protein change: p.Ala136=; no amino-acid change (alanine 136 retained).
Molecular consequence: synonymous variant.
Genome position (GRCh38, 1-based): chr17:61,849,228, T>G on the plus strand (A>C on the coding strand, the complement: BRIP1 is on the minus strand). VCF-style: chr17-61849228-T-G. GRCh37 (hg19) VCF-style: chr17-59926589-T-G.
Identifiers: ClinVar variation 382306 (VCV000382306.23), dbSNP rs876660891, ClinGen allele CA16608582.
Genomic context (GRCh38, chr17:61,849,228, plus strand): 5'-TACTTGAAAATCATCATTTTCATCTCTGTATATGGATGCCTGTTTCTTAGCAGATAACTT[T>G]GCAGCCAGAGTGGTTTTTTCAGGGGAGTCTTATATAAGTAATTTAAAAAAAACAGCATAA-3'
Protein context (NP_114432.2, residues 126-146): QDSPEKTTLA[Ala136=]KLSAKKQASI